The following is an entry in ClinVar:

ClinVar aggregate classification (germline): Uncertain significance. Review status: criteria provided, multiple submitters, no conflicts (2 of 4 stars). 2 submissions from 2 submitters: Uncertain significance (2). Last evaluated 2026-01-06.

gnomAD v4.1: 5 of 1,372,140 alleles (0.00036%); highest among the groups gnomAD compares: Middle Eastern, 0.027%; no homozygotes.

Submissions (2):

Dasa
Classification: Uncertain significance. Last evaluated: 2026-01-06. Review status: criteria provided, single submitter. Criteria: DASA Assertion Criteria. Collection method: clinical testing. Allele origin: germline.
Comment: NM_001127222.2(CACNA1A):c.7097G>C (p.Arg2366Thr) is a missense variant that results in the substitution of arginine with threonine. This variant is rare in population databases. The currently available literature and clinical evidence are not sufficient to establish a definitive association between this variant and the reported condition. Therefore, this variant is classified as a variant of uncertain significance.

CeGaT Center for Human Genetics Tuebingen
Classification: Uncertain significance. Last evaluated: 2024-07-01. Review status: criteria provided, single submitter. Criteria: CeGaT Center For Human Genetics Tuebingen Variant Classification Criteria Version 2. Collection method: clinical testing. Allele origin: germline. Affected: yes. Observed: 1 variant allele.
Comment: CACNA1A: PP2, PP3

NM_001127222.2(CACNA1A):c.7097G>C (p.Arg2366Thr)

Gene: CACNA1A (calcium voltage-gated channel subunit alpha1 A; minus strand). Cytogenetic location: 19p13.13.
Variant type: single nucleotide variant.
Coding change: c.7097G>C on transcript NM_001127222.2 (MANE Select); coding-DNA position 7097, G replaced by C.
Protein change: p.Arg2366Thr; replaces arginine 2366 with threonine.
Molecular consequence: missense variant. On other transcripts: 3 prime UTR variant (3).
Genome position (GRCh38, 1-based): chr19:13,207,737, C>G on the plus strand (G>C on the coding strand, the complement: CACNA1A is on the minus strand). VCF-style: chr19-13207737-C-G. GRCh37 (hg19) VCF-style: chr19-13318551-C-G.
Other names: c.*309G>C (NM_000068.4, NM_001127221.2, NM_001174080.2); c.7115G>C, p.Arg2372Thr (NM_023035.3); short protein forms R2366T, R2372T.
Identifiers: ClinVar variation 3257232 (VCV003257232.19).
Genomic context (GRCh38, chr19:13,207,737, plus strand): 5'-CCGTGTCGACAGGCCCTGGGGGACTCGCTCCGGGCCGGGCCTGGGACCCGCCTCTCCATC[C>G]TGGGCGAGCGGCCGCTGCTGTGGCCCCCCGTGGGCGGCCGATCTCCGGCCAGAGGCTCGG-3'
Protein context (NP_001120694.1, residues 2356-2376): TGGHSSGRSP[Arg2366Thr]MERRVPGPAR